The following is an entry in ClinVar:

NM_004268.5(MED17):c.1010C>T (p.Pro337Leu)

Gene: MED17 (mediator complex subunit 17; plus strand). Cytogenetic location: 11q21.
Variant type: single nucleotide variant.
Coding change: c.1010C>T on transcript NM_004268.5 (MANE Select); coding-DNA position 1010, C replaced by T.
Protein change: p.Pro337Leu; replaces proline 337 with leucine.
Molecular consequence: missense variant.
Genome position (GRCh38, 1-based): chr11:93,795,058, C>T. VCF-style: chr11-93795058-C-T. GRCh37 (hg19) VCF-style: chr11-93528224-C-T.
Other names: c.1010C>T (NM_004268.4); short protein forms P337L.
Identifiers: ClinVar variation 2147872 (VCV002147872.3), dbSNP rs148342933, ClinGen allele CA6232477.

ClinVar aggregate classification (germline): Uncertain significance. Review status: criteria provided, multiple submitters, no conflicts (2 of 4 stars). 3 submissions from 3 submitters: Uncertain significance (3). Last evaluated 2024-10-29.

Conditions:
Inborn genetic diseases. Identifiers: MedGen C0950123, MeSH D030342.

Allele frequency attached by ClinVar (database versions not stated): ExAC 0.00006; TOPMed 0.00014; ESP Exome Variant Server 0.00015; gnomAD exomes 0.00015; gnomAD 0.00017; 1000 Genomes Project 30x 0.00031; 1000 Genomes Project 0.00040.
gnomAD v4.1: 238 of 1,614,128 alleles (0.015%); highest among the groups gnomAD compares: Middle Eastern, 0.033%; no homozygotes.

Submissions (3):

Blueprint Genetics
Classification: Uncertain significance. Last evaluated: 2024-10-29. Review status: criteria provided, single submitter. Criteria: ACMG Guidelines, 2015. Collection method: clinical testing. Allele origin: germline.

Labcorp Genetics (formerly Invitae), Labcorp
Classification: Uncertain significance. Last evaluated: 2022-07-16. Review status: criteria provided, single submitter. Criteria: Invitae Variant Classification Sherloc (09022015). Collection method: clinical testing. Allele origin: germline.
Comment: This sequence change replaces proline, which is neutral and non-polar, with leucine, which is neutral and non-polar, at codon 337 of the MED17 protein (p.Pro337Leu). This variant is present in population databases (rs148342933, gnomAD 0.02%). This variant has not been reported in the literature in individuals affected with MED17-related conditions. Algorithms developed to predict the effect of missense changes on protein structure and function are either unavailable or do not agree on the potential impact of this missense change (SIFT: "Deleterious"; PolyPhen-2: "Benign"; Align-GVGD: "Class C15"). In summary, the available evidence is currently insufficient to determine the role of this variant in disease. Therefore, it has been classified as a Variant of Uncertain Significance.

Ambry Genetics
Classification: Uncertain significance for Inborn genetic diseases. Last evaluated: 2021-09-01. Review status: criteria provided, single submitter. Criteria: Ambry Variant Classification Scheme 2023. Collection method: clinical testing. Allele origin: germline.